The following is an entry in ClinVar:

NM_016507.4(CDK12):c.3770C>A (p.Pro1257His)

Gene: CDK12 (cyclin dependent kinase 12; plus strand). Cytogenetic location: 17q12.
Variant type: single nucleotide variant.
Coding change: c.3770C>A on transcript NM_016507.4 (MANE Select); coding-DNA position 3770, C replaced by A.
Protein change: p.Pro1257His; replaces proline 1257 with histidine.
Molecular consequence: missense variant. On other transcripts: intron variant (1).
Genome position (GRCh38, 1-based): chr17:39,530,613, C>A. VCF-style: chr17-39530613-C-A. GRCh37 (hg19) VCF-style: chr17-37686866-C-A.
Other names: c.3761-18C>A (NM_015083.4); short protein forms P1257H.
Identifiers: ClinVar variation 4651418 (VCV004651418.1).
Genomic context (GRCh38, chr17:39,530,613, plus strand): 5'-AATCACATGTGCTTTTTAAGATGGTGTTTAAAAGAAGTAACCCTTCCACAGCATGTCCTC[C>A]TCACATTCTTCCACCAGAGAAGAGGCCCCCTGAGCCCCCCGGACCTCCACCGCCGCCACC-3'
Protein context (NP_057591.2, residues 1247-1267): MPQEEAAACP[Pro1257His]HILPPEKRPP

ClinVar aggregate classification (germline): Uncertain significance (1 of 4 stars; one submission).

Submission:

Ambry Genetics
Classification: Uncertain significance. Last evaluated: 2025-10-30. Review status: criteria provided, single submitter. Criteria: Ambry Variant Classification Scheme 2023. Collection method: clinical testing. Allele origin: germline.
Comment: The p.P1257H variant (also known as c.3770C>A), located in coding exon 14 of the CDK12 gene, results from a C to A substitution at nucleotide position 3770. The proline at codon 1257 is replaced by histidine, an amino acid with similar properties. This amino acid position is conserved. In addition, the in silico prediction for this alteration is inconclusive. Based on the available evidence, the clinical significance of this variant remains unclear.